The following is an entry in ClinVar:

ClinVar aggregate classification (germline): Uncertain significance (1 of 4 stars; one submission).

Conditions:
Absence seizure. Also called: Absence epilepsy. Identifiers: Orphanet 1941, MedGen C0014553.
Myoclonic epilepsy, juvenile, susceptibility to, 1. Also called: Myoclonic Epilepsy, Juvenile, 1; EJM1. Identifiers: MedGen C1850778, MONDO:0020752, OMIM 254770.

Allele frequency attached by ClinVar (database versions not stated): gnomAD exomes below 0.00001.
gnomAD v4.1: 3 of 1,614,140 alleles (0.00019%); highest among the groups gnomAD compares: Non-Finnish European, 0.00025%; no homozygotes.

Submission:

Labcorp Genetics (formerly Invitae), Labcorp
Classification: Uncertain significance for Myoclonic epilepsy, juvenile, susceptibility to, 1; Absence seizure. Last evaluated: 2023-11-03. Review status: criteria provided, single submitter. Criteria: Invitae Variant Classification Sherloc (09022015). Collection method: clinical testing. Allele origin: germline.
Comment: This sequence change replaces phenylalanine, which is neutral and non-polar, with serine, which is neutral and polar, at codon 452 of the EFHC1 protein (p.Phe452Ser). This variant is not present in population databases (gnomAD no frequency). This variant has not been reported in the literature in individuals affected with EFHC1-related conditions. ClinVar contains an entry for this variant (Variation ID: 855757). Advanced modeling of protein sequence and biophysical properties (such as structural, functional, and spatial information, amino acid conservation, physicochemical variation, residue mobility, and thermodynamic stability) performed at Invitae indicates that this missense variant is not expected to disrupt EFHC1 protein function with a negative predictive value of 80%. In summary, the available evidence is currently insufficient to determine the role of this variant in disease. Therefore, it has been classified as a Variant of Uncertain Significance.

NM_018100.4(EFHC1):c.1355T>C (p.Phe452Ser)

Gene: EFHC1 (EF-hand domain containing 1; plus strand). Cytogenetic location: 6p12.2.
Variant type: single nucleotide variant.
Coding change: c.1355T>C on transcript NM_018100.4 (MANE Select); coding-DNA position 1355, T replaced by C.
Protein change: p.Phe452Ser; replaces phenylalanine 452 with serine.
Molecular consequence: missense variant. On other transcripts: non-coding transcript variant (1).
Genome position (GRCh38, 1-based): chr6:52,479,113, T>C. VCF-style: chr6-52479113-T-C. GRCh37 (hg19) VCF-style: chr6-52343911-T-C.
Other names: c.1298T>C, p.Phe433Ser (NM_001172420.2); short protein forms F433S, F452S.
Identifiers: ClinVar variation 855757 (VCV000855757.11), dbSNP rs1765610593, ClinGen allele CA364457225.